The following is an entry in ClinVar:

ClinVar aggregate classification (germline): Pathogenic (1 of 4 stars; one submission).

Conditions:
Intellectual developmental disorder, X-linked 1. Also called: MENTAL RETARDATION, X-LINKED 18; MENTAL RETARDATION, X-LINKED 78; Intellectual disability, X-linked 1; Atkin Flaitz Patil Smith syndrome. Identifiers: Orphanet 777, MedGen C2931498, MONDO:0010656, OMIM 309530.

Submission:

Labcorp Genetics (formerly Invitae), Labcorp
Classification: Pathogenic for Intellectual developmental disorder, X-linked 1. Last evaluated: 2020-04-06. Review status: criteria provided, single submitter. Criteria: Invitae Variant Classification Sherloc (09022015). Collection method: clinical testing. Allele origin: germline.
Comment: This variant is not present in population databases (ExAC no frequency). This variant has been observed in individual(s) with seizures and intellectual disability (PMID: 27652284, 30206421). In at least one individual the variant was observed to be de novo. ClinVar contains an entry for this variant (Variation ID: 566884). This sequence change creates a premature translational stop signal (p.Tyr1129*) in the IQSEC2 gene. It is expected to result in an absent or disrupted protein product. Loss-of-function variants in IQSEC2 are known to be pathogenic (PMID: 21686261, 26793055, 27665735). For these reasons, this variant has been classified as Pathogenic.

Literature cited by the submitters: PubMed 27652284; PubMed 30206421; PubMed 21686261; PubMed 26793055; PubMed 27665735.

NM_001111125.3(IQSEC2):c.3387C>A (p.Tyr1129Ter)

Gene: IQSEC2 (IQ motif and Sec7 domain ArfGEF 2; minus strand). Cytogenetic location: Xp11.22.
Variant type: single nucleotide variant.
Coding change: c.3387C>A on transcript NM_001111125.3 (MANE Select); coding-DNA position 3387, C replaced by A.
Protein change: p.Tyr1129Ter; replaces tyrosine 1129 with a stop codon.
Molecular consequence: nonsense.
Genome position (GRCh38, 1-based): chrX:53,236,386, G>T on the plus strand (C>A on the coding strand, the complement: IQSEC2 is on the minus strand). VCF-style: chrX-53236386-G-T. GRCh37 (hg19) VCF-style: chrX-53265568-G-T.
Other names: c.2772C>A, p.Tyr924Ter (NM_015075.2); short protein forms Y1129*, Y924*.
Identifiers: ClinVar variation 566884 (VCV000566884.9), dbSNP rs374220843, ClinGen allele CA413144506.